The following is an entry in ClinVar:

ClinVar aggregate classification (germline): Conflicting classifications of pathogenicity. Review status: criteria provided, conflicting classifications (1 of 4 stars). 6 submissions from 6 submitters: Uncertain significance (4); Benign (1); Likely benign (1). Last evaluated 2025-11-10.

Conditions:
BARD1-related cancer predisposition. Identifiers: MedGen CN377756, MONDO:0700267.
Hereditary cancer-predisposing syndrome. Also called: Hereditary Cancer Syndrome; Tumor predisposition; Hereditary neoplastic syndrome; Neoplastic Syndromes, Hereditary. Identifiers: Orphanet 140162, MedGen C0027672, MeSH D009386, MONDO:0015356.
Familial cancer of breast. Also called: Hereditary breast cancer; hereditary breast carcinoma; BREAST CANCER, FAMILIAL. Identifiers: Orphanet 227535, MedGen C0346153, MONDO:0016419, OMIM 114480. Disease mechanism: loss of function.

Allele frequency attached by ClinVar (database versions not stated): gnomAD below 0.00001 and 0.00003; TOPMed below 0.00001; gnomAD exomes 0.00006; ExAC 0.00010.
gnomAD v4.1: 39 of 1,600,468 alleles (0.0024%); highest among the groups gnomAD compares: South Asian, 0.042%; 1 homozygote.

Submissions (6):

Ambry Genetics
Classification: Benign for Hereditary cancer-predisposing syndrome. Last evaluated: 2025-11-10. Review status: criteria provided, single submitter. Criteria: Ambry Variant Classification Scheme 2023. Collection method: clinical testing. Allele origin: germline.

Color Diagnostics, LLC DBA Color Health
Classification: Likely benign for Hereditary cancer-predisposing syndrome. Last evaluated: 2025-07-24. Review status: criteria provided, single submitter. Criteria: ACMG Guidelines, 2015. Collection method: clinical testing. Allele origin: germline.

GeneDx
Classification: Uncertain significance. Last evaluated: 2025-07-01. Review status: criteria provided, single submitter. Criteria: GeneDx Variant Classification Process June 2021. Collection method: clinical testing. Allele origin: germline.
Comment: In silico analysis suggests that this missense variant does not alter protein structure/function; Observed in individual(s) with breast cancer (PMID: 35402282); This variant is associated with the following publications: (PMID: 28873162, 35402282)

Molecular Pathology, Peter Maccallum Cancer Centre
Classification: Uncertain significance for BARD1-related cancer predisposition. Last evaluated: 2024-07-04. Review status: criteria provided, single submitter. Criteria: ACMG Guidelines, 2015. Collection method: clinical testing. Allele origin: germline. Inheritance: Autosomal dominant inheritance.

Labcorp Genetics (formerly Invitae), Labcorp
Classification: Uncertain significance for Familial cancer of breast. Last evaluated: 2024-01-02. Review status: criteria provided, single submitter. Criteria: Invitae Variant Classification Sherloc (09022015). Collection method: clinical testing. Allele origin: germline.
Comment: This sequence change replaces proline, which is neutral and non-polar, with leucine, which is neutral and non-polar, at codon 20 of the BARD1 protein (p.Pro20Leu). This variant is present in population databases (rs753686197, gnomAD 0.05%), and has an allele count higher than expected for a pathogenic variant. This missense change has been observed in individual(s) with an unspecified cancer (PMID: 28873162). ClinVar contains an entry for this variant (Variation ID: 237841). An algorithm developed to predict the effect of missense changes on protein structure and function (PolyPhen-2) suggests that this variant¬†is likely to be tolerated. In summary, the available evidence is currently insufficient to determine the role of this variant in disease. Therefore, it has been classified as a Variant of Uncertain Significance.

KCCC/NGS Laboratory, Kuwait Cancer Control Center
Classification: Uncertain significance for Familial cancer of breast. Last evaluated: 2023-07-05. Review status: criteria provided, single submitter. Criteria: ACMG Guidelines, 2015. Collection method: clinical testing. Allele origin: unknown. Inheritance: Autosomal dominant inheritance. Affected: yes. Observed: 1 heterozygote.
Comment: a variant of uncertain significance was detected in exon 1 of the BARD1 gene (c.59C>T).This sequence change replaces proline with leucine at codon 20 of the BARD1 protein (p.Pro20Leu). The proline residue is moderately conserved and there is a moderate physicochemical difference between proline and leucine. This variant is present in population databases (rs753686197, ExAC 0.05%). This missense change has been observed in individual(s) with an unspecified cancer (PMID: 28873162). ClinVar contains an entry for this variant (Variation ID: 237841). Algorithms developed to predict the effect of missense changes on protein structure and function are either unavailable or do not agree on the potential impact of this missense change (SIFT: "Deleterious"; PolyPhen-2: "Benign"). In summary, the available evidence is currently insufficient to determine the role of this variant in disease. Therefore, it has been classified as a Variant of Uncertain Significance.

Literature cited by the submitters: PubMed 28873162 (cited by Ambry Genetics and Labcorp Genetics (formerly Invitae), Labcorp).

NM_000465.4(BARD1):c.59C>T (p.Pro20Leu)

Gene: BARD1 (BRCA1 associated RING domain 1; minus strand). Cytogenetic location: 2q35.
Variant type: single nucleotide variant.
Coding change: c.59C>T on transcript NM_000465.4 (MANE Select); coding-DNA position 59, C replaced by T.
Protein change: p.Pro20Leu; replaces proline 20 with leucine.
Molecular consequence: missense variant. On other transcripts: non-coding transcript variant (3).
Genome position (GRCh38, 1-based): chr2:214,809,511, G>A on the plus strand (C>T on the coding strand, the complement: BARD1 is on the minus strand). VCF-style: chr2-214809511-G-A. GRCh37 (hg19) VCF-style: chr2-215674235-G-A.
Other names: c.59C>T, p.Pro20Leu (NM_001282543.2, NM_001282545.2, NM_001282548.2 and 1 more transcripts); short protein forms P20L.
Identifiers: ClinVar variation 237841 (VCV000237841.26), dbSNP rs753686197, ClinGen allele CA2090528.